The following is an entry in ClinVar:

NM_198253.3(TERT):c.2437A>G (p.Met813Val)

Gene: TERT (telomerase reverse transcriptase; minus strand). Cytogenetic location: 5p15.33.
Variant type: single nucleotide variant.
Coding change: c.2437A>G on transcript NM_198253.3 (MANE Select); coding-DNA position 2437, A replaced by G.
Protein change: p.Met813Val; replaces methionine 813 with valine.
Molecular consequence: missense variant.
Genome position (GRCh38, 1-based): chr5:1,271,150, T>C on the plus strand (A>G on the coding strand, the complement: TERT is on the minus strand). VCF-style: chr5-1271150-T-C. GRCh37 (hg19) VCF-style: chr5-1271265-T-C.
Other names: c.2437A>G, p.Met813Val (NM_001193376.3); short protein forms M813V.
Identifiers: ClinVar variation 1347587 (VCV001347587.8), dbSNP rs1749002393, ClinGen allele CA359075720.

ClinVar aggregate classification (germline): Uncertain significance (1 of 4 stars; one submission).

Conditions:
Dyskeratosis congenita, autosomal dominant 2. Identifiers: MedGen C3151443, MONDO:0013521, OMIM 613989.
Idiopathic Pulmonary Fibrosis. Also called: Idiopathic fibrosing alveolitis, chronic form; idiopathic fibrosing alveolitis. Identifiers: Orphanet 2032, MedGen C1800706, MeSH D054990, MONDO:0800504.

Allele frequency attached by ClinVar (database versions not stated): gnomAD exomes below 0.00001; gnomAD 0.00001; TOPMed 0.00001.
gnomAD v4.1: 3 of 1,612,942 alleles (0.00019%); highest among the groups gnomAD compares: African/African-American, 0.0027%; no homozygotes.

Submission:

Labcorp Genetics (formerly Invitae), Labcorp
Classification: Uncertain significance for Dyskeratosis congenita, autosomal dominant 2; Idiopathic Pulmonary Fibrosis. Last evaluated: 2023-09-01. Review status: criteria provided, single submitter. Criteria: Invitae Variant Classification Sherloc (09022015). Collection method: clinical testing. Allele origin: germline.
Comment: This sequence change replaces methionine, which is neutral and non-polar, with valine, which is neutral and non-polar, at codon 813 of the TERT protein (p.Met813Val). This variant is not present in population databases (gnomAD no frequency). This variant has not been reported in the literature in individuals affected with TERT-related conditions. ClinVar contains an entry for this variant (Variation ID: 1347587). Advanced modeling of protein sequence and biophysical properties (such as structural, functional, and spatial information, amino acid conservation, physicochemical variation, residue mobility, and thermodynamic stability) performed at Invitae indicates that this missense variant is not expected to disrupt TERT protein function. In summary, the available evidence is currently insufficient to determine the role of this variant in disease. Therefore, it has been classified as a Variant of Uncertain Significance.